The following is an entry in ClinVar:

ClinVar aggregate classification (germline): Uncertain significance (1 of 4 stars; one submission).

Conditions:
Febrile seizures, familial, 11 (FEB11). Also called: CONVULSIONS, FAMILIAL FEBRILE, 11. Identifiers: MedGen C3280734, MONDO:0024566, OMIM 614418.

Submission:

Labcorp Genetics (formerly Invitae), Labcorp
Classification: Uncertain significance for Febrile seizures, familial, 11. Last evaluated: 2022-06-20. Review status: criteria provided, single submitter. Criteria: Invitae Variant Classification Sherloc (09022015). Collection method: clinical testing. Allele origin: germline.
Comment: In summary, the available evidence is currently insufficient to determine the role of this variant in disease. Therefore, it has been classified as a Variant of Uncertain Significance. This variant has not been reported in the literature in individuals affected with CPA6-related conditions. This variant is a gross deletion of the genomic region encompassing exon(s) 7-8 of the CPA6 gene. This deletion is out-of-frame, and is expected to create a premature translational stop signal and result in an absent or disrupted protein product. However, the current clinical and genetic evidence is not sufficient to establish whether loss-of-function variants in CPA6 cause disease.

NC_000008.11:g.(?_67483748)_(67484809_?)del

Gene: CPA6 (carboxypeptidase A6; minus strand). Cytogenetic location: 8q13.2.
Variant type: Deletion.
Identifiers: ClinVar variation 831203 (VCV000831203.7).